The following is an entry in ClinVar:

NM_032801.5(JAM3):c.142+3A>G

Gene: JAM3 (junctional adhesion molecule 3; plus strand). Cytogenetic location: 11q25.
Variant type: single nucleotide variant.
Coding change: c.142+3A>G on transcript NM_032801.5 (MANE Select); 3 bases into the intron after coding-DNA position 142, A replaced by G.
Molecular consequence: intron variant.
Genome position (GRCh38, 1-based): chr11:134,139,919, A>G. VCF-style: chr11-134139919-A-G. GRCh37 (hg19) VCF-style: chr11-134009814-A-G.
Other names: c.142+3A>G (NM_001205329.2).
Identifiers: ClinVar variation 1904997 (VCV001904997.5), dbSNP rs1003968876, ClinGen allele CA231305089.

ClinVar aggregate classification (germline): Uncertain significance (1 of 4 stars; one submission).

Allele frequency attached by ClinVar (database versions not stated): gnomAD 0.00001; gnomAD exomes 0.00001; TOPMed 0.00002.
gnomAD v4.1: 13 of 1,610,792 alleles (0.00081%); highest among the groups gnomAD compares: Admixed American, 0.0017%; no homozygotes.

Submission:

Labcorp Genetics (formerly Invitae), Labcorp
Classification: Uncertain significance. Last evaluated: 2025-04-14. Review status: criteria provided, single submitter. Criteria: Invitae Variant Classification Sherloc (09022015). Collection method: clinical testing. Allele origin: germline.
Comment: This sequence change falls in intron 2 of the JAM3 gene. It does not directly change the encoded amino acid sequence of the JAM3 protein. It affects a nucleotide within the consensus splice site. This variant is present in population databases (no rsID available, gnomAD 0.003%). This variant has not been reported in the literature in individuals affected with JAM3-related conditions. ClinVar contains an entry for this variant (Variation ID: 1904997). Variants that disrupt the consensus splice site are a relatively common cause of aberrant splicing (PMID: 17576681, 9536098). Algorithms developed to predict the effect of sequence changes on RNA splicing suggest that this variant may disrupt the consensus splice site. In summary, the available evidence is currently insufficient to determine the role of this variant in disease. Therefore, it has been classified as a Variant of Uncertain Significance.

Literature cited by the submitters: PubMed 17576681; PubMed 9536098.